The following is an entry in ClinVar:

ClinVar aggregate classification (germline): Uncertain significance (1 of 4 stars; one submission).

Allele frequency attached by ClinVar (database versions not stated): gnomAD 0.00001.

Submission:

CeGaT Center for Human Genetics Tuebingen
Classification: Uncertain significance. Last evaluated: 2022-08-01. Review status: criteria provided, single submitter. Criteria: CeGaT Center For Human Genetics Tuebingen Variant Classification Criteria Version 2. Collection method: clinical testing. Allele origin: germline. Affected: yes. Observed: 1 variant allele.
Comment: SHANK3: PM2, PP2

NM_001372044.2(SHANK3):c.125G>C (p.Gly42Ala)

Gene: SHANK3 (SH3 and multiple ankyrin repeat domains 3; plus strand). Cytogenetic location: 22q13.33.
Variant type: single nucleotide variant.
Coding change: c.125G>C on transcript NM_001372044.2 (MANE Select); coding-DNA position 125, G replaced by C.
Protein change: p.Gly42Ala; replaces glycine 42 with alanine.
Molecular consequence: missense variant.
Genome position (GRCh38, 1-based): chr22:50,674,539, G>C. VCF-style: chr22-50674539-G-C. GRCh37 (hg19) VCF-style: chr22-51112967-G-C.
Other names: short protein forms G42A.
Identifiers: ClinVar variation 2653408 (VCV002653408.24), dbSNP rs1375893725, ClinGen allele CA754118289.
Genomic context (GRCh38, chr22:50,674,539, plus strand): 5'-CCCCCGCGCCGGCCCCGGCCCCGGCCCCCCCCGGCCCCCTCCCGCGCAGCGCGGCCGACG[G>C]GGCTCCGGCGGGGGGGAAGGGGGGGCCGGGGCGCCGCGCGCGGAGTCCCCGGGCGCTCCG-3'
Protein context (NP_001358973.1, residues 32-52): PGPLPRSAAD[Gly42Ala]APAGGKGGPG